The following is an entry in ClinVar:

ClinVar aggregate classification (germline): Uncertain significance (1 of 4 stars; one submission).

Conditions:
Hereditary cancer-predisposing syndrome. Also called: Neoplastic Syndromes, Hereditary; Hereditary neoplastic syndrome; Tumor predisposition; Hereditary Cancer Syndrome. Identifiers: Orphanet 140162, MedGen C0027672, MeSH D009386, MONDO:0015356.

Allele frequency attached by ClinVar (database versions not stated): gnomAD exomes below 0.00001.
gnomAD v4.1: 6 of 1,612,232 alleles (0.00037%); highest among the groups gnomAD compares: Non-Finnish European, 0.00051%; no homozygotes.

Submission:

Ambry Genetics
Classification: Uncertain significance for Hereditary cancer-predisposing syndrome. Last evaluated: 2023-02-20. Review status: criteria provided, single submitter. Criteria: Ambry Variant Classification Scheme 2023. Collection method: clinical testing. Allele origin: germline.
Comment: The p.K151E variant (also known as c.451A>G), located in coding exon 4 of the EPCAM gene, results from an A to G substitution at nucleotide position 451. The lysine at codon 151 is replaced by glutamic acid, an amino acid with similar properties. This amino acid position is conserved. In addition, the in silico prediction for this alteration is inconclusive. Since supporting evidence is limited at this time, the clinical significance of this alteration remains unclear.

NM_002354.3(EPCAM):c.451A>G (p.Lys151Glu)

Gene: EPCAM (epithelial cell adhesion molecule; plus strand). Cytogenetic location: 2p21.
Variant type: single nucleotide variant.
Coding change: c.451A>G on transcript NM_002354.3 (MANE Select); coding-DNA position 451, A replaced by G.
Protein change: p.Lys151Glu; replaces lysine 151 with glutamic acid.
Molecular consequence: missense variant.
Genome position (GRCh38, 1-based): chr2:47,375,259, A>G. VCF-style: chr2-47375259-A-G. GRCh37 (hg19) VCF-style: chr2-47602398-A-G.
Other names: short protein forms K151E.
Identifiers: ClinVar variation 2477709 (VCV002477709.2), dbSNP rs2103750059, ClinGen allele CA346723583.